The following is an entry in ClinVar:

NM_020745.4(AARS2):c.671T>A (p.Ile224Asn)

Gene: AARS2 (alanyl-tRNA synthetase 2, mitochondrial; minus strand). Cytogenetic location: 6p21.1.
Variant type: single nucleotide variant.
Coding change: c.671T>A on transcript NM_020745.4 (MANE Select); coding-DNA position 671, T replaced by A.
Protein change: p.Ile224Asn; replaces isoleucine 224 with asparagine.
Molecular consequence: missense variant.
Genome position (GRCh38, 1-based): chr6:44,311,072, A>T on the plus strand (T>A on the coding strand, the complement: AARS2 is on the minus strand). VCF-style: chr6-44311072-A-T. GRCh37 (hg19) VCF-style: chr6-44278809-A-T.
Other names: short protein forms I224N.
Identifiers: ClinVar variation 1366304 (VCV001366304.7), dbSNP rs1786308486, ClinGen allele CA364340915.

ClinVar aggregate classification (germline): Uncertain significance (1 of 4 stars; one submission).

Allele frequency attached by ClinVar (database versions not stated): TOPMed below 0.00001.

Submission:

Labcorp Genetics (formerly Invitae), Labcorp
Classification: Uncertain significance. Last evaluated: 2021-12-02. Review status: criteria provided, single submitter. Criteria: Invitae Variant Classification Sherloc (09022015). Collection method: clinical testing. Allele origin: germline.
Comment: In summary, the available evidence is currently insufficient to determine the role of this variant in disease. Therefore, it has been classified as a Variant of Uncertain Significance. Advanced modeling of protein sequence and biophysical properties (such as structural, functional, and spatial information, amino acid conservation, physicochemical variation, residue mobility, and thermodynamic stability) performed at Invitae indicates that this missense variant is expected to disrupt AARS2 protein function. This variant has not been reported in the literature in individuals affected with AARS2-related conditions. This variant is not present in population databases (gnomAD no frequency). This sequence change replaces isoleucine, which is neutral and non-polar, with asparagine, which is neutral and polar, at codon 224 of the AARS2 protein (p.Ile224Asn).